The following is an entry in ClinVar:

ClinVar aggregate classification (germline): Uncertain significance (1 of 4 stars; one submission).

Submission:

GeneDx
Classification: Uncertain significance. Last evaluated: 2026-07-02. Review status: criteria provided, single submitter. Criteria: GeneDx Variant Classification Process June 2021. Collection method: clinical testing. Allele origin: germline.
Comment: Not observed at significant frequency in large population cohorts (gnomAD); In silico analysis supports that this missense variant has a deleterious effect on protein structure/function; Has not been previously published as pathogenic or benign to our knowledge

NM_018896.5(CACNA1G):c.5605G>T (p.Ala1869Ser)

Gene: CACNA1G (calcium voltage-gated channel subunit alpha1 G; plus strand). Cytogenetic location: 17q21.33.
Variant type: single nucleotide variant.
Coding change: c.5605G>T on transcript NM_018896.5 (MANE Select); coding-DNA position 5605, G replaced by T.
Protein change: p.Ala1869Ser; replaces alanine 1869 with serine.
Molecular consequence: missense variant. On other transcripts: non-coding transcript variant (5).
Genome position (GRCh38, 1-based): chr17:50,618,832, G>T. VCF-style: chr17-50618832-G-T. GRCh37 (hg19) VCF-style: chr17-48696193-G-T.
Other names: c.5551G>T, p.Ala1851Ser (NM_001256324.2, NM_198386.3); c.5626G>T, p.Ala1876Ser (NM_001256325.2); c.5470G>T, p.Ala1824Ser (NM_001256326.2, NM_001256330.2); c.5584G>T, p.Ala1862Ser (NM_001256327.2); c.5530G>T, p.Ala1844Ser (NM_001256328.2); c.5503G>T, p.Ala1835Ser (NM_001256329.2, NM_198376.3, NM_198379.3 and 2 more transcripts); c.5449G>T, p.Ala1817Ser (NM_001256331.2); c.5434G>T, p.Ala1812Ser (NM_001256332.2); and 7 more; short protein forms A1812S, A1817S, A1824S, A1828S, A1831S, A1833S, A1835S, A1842S.
Identifiers: ClinVar variation 3908041 (VCV003908041.2).